The following is an entry in ClinVar:

NM_004928.3(CFAP410):c.58G>A (p.Val20Met)

Genes: CFAP410 (cilia and flagella associated protein 410; minus strand), LOC130066823 (ATAC-STARR-seq lymphoblastoid silent region 13383; plus strand). Cytogenetic location: 21q22.3.
Variant type: single nucleotide variant.
Coding change: c.58G>A on transcript NM_004928.3 (MANE Select); coding-DNA position 58, G replaced by A.
Protein change: p.Val20Met; replaces valine 20 with methionine.
Molecular consequence: missense variant.
Genome position (GRCh38, 1-based): chr21:44,339,137, C>T on the plus strand (G>A on the coding strand, the complement: CFAP410 is on the minus strand). VCF-style: chr21-44339137-C-T. GRCh37 (hg19) VCF-style: chr21-45759020-C-T.
Other names: c.58G>A, p.Val20Met (NM_001271440.2, NM_001271441.2); short protein forms V20M.
Identifiers: ClinVar variation 493325 (VCV000493325.50), dbSNP rs1014370765, ClinGen allele CA321788165.

ClinVar aggregate classification (germline): Uncertain significance. Review status: criteria provided, multiple submitters, no conflicts (2 of 4 stars). 3 submissions from 3 submitters: Uncertain significance (3). Last evaluated 2022-07-05.

Allele frequency attached by ClinVar (database versions not stated): TOPMed 0.00001.
gnomAD v4.1: 8 of 1,465,132 alleles (0.00055%); highest among the groups gnomAD compares: African/African-American, 0.0015%; no homozygotes.

Submissions (3):

Labcorp Genetics (formerly Invitae), Labcorp
Classification: Uncertain significance. Last evaluated: 2022-07-05. Review status: criteria provided, single submitter. Criteria: Invitae Variant Classification Sherloc (09022015). Collection method: clinical testing. Allele origin: germline.
Comment: This sequence change replaces valine, which is neutral and non-polar, with methionine, which is neutral and non-polar, at codon 20 of the CFAP410 protein (p.Val20Met). This variant is not present in population databases (gnomAD no frequency). In summary, the available evidence is currently insufficient to determine the role of this variant in disease. Therefore, it has been classified as a Variant of Uncertain Significance. Algorithms developed to predict the effect of missense changes on protein structure and function are either unavailable or do not agree on the potential impact of this missense change (SIFT: "Deleterious"; PolyPhen-2: "Probably Damaging"; Align-GVGD: "Class C0"). ClinVar contains an entry for this variant (Variation ID: 493325). This variant has not been reported in the literature in individuals affected with CFAP410-related conditions.

Blueprint Genetics
Classification: Uncertain significance. Last evaluated: 2021-11-08. Review status: criteria provided, single submitter. Criteria: ACMG Guidelines, 2015. Collection method: clinical testing. Allele origin: germline.

CeGaT Center for Human Genetics Tuebingen
Classification: Uncertain significance. Last evaluated: 2017-08-01. Review status: criteria provided, single submitter. Criteria: CeGaT Center For Human Genetics Tuebingen Variant Classification Criteria Version 2. Collection method: clinical testing. Allele origin: germline. Affected: yes. Observed: 1 variant allele.